The following is an entry in ClinVar:

ClinVar aggregate classification (germline): Uncertain significance (1 of 4 stars; one submission).

Conditions:
Cardiovascular phenotype. Identifiers: MedGen CN230736.

Submission:

Ambry Genetics
Classification: Uncertain significance for Cardiovascular phenotype. Last evaluated: 2025-08-06. Review status: criteria provided, single submitter. Criteria: Ambry Variant Classification Scheme 2023. Collection method: clinical testing. Allele origin: germline.
Comment: The p.P1221R variant (also known as c.3662C>G), located in coding exon 26 of the LAMA4 gene, results from a C to G substitution at nucleotide position 3662. The proline at codon 1221 is replaced by arginine, an amino acid with dissimilar properties. This amino acid position is conserved. In addition, this alteration is predicted to be deleterious by in silico analysis. Based on the available evidence, the clinical significance of this variant remains unclear.

NM_001105206.3(LAMA4):c.3683C>G (p.Pro1228Arg)

Gene: LAMA4 (laminin subunit alpha 4; minus strand). Cytogenetic location: 6q21.
Variant type: single nucleotide variant.
Coding change: c.3683C>G on transcript NM_001105206.3 (MANE Select); coding-DNA position 3683, C replaced by G.
Protein change: p.Pro1228Arg; replaces proline 1228 with arginine.
Molecular consequence: missense variant.
Genome position (GRCh38, 1-based): chr6:112,133,362, G>C on the plus strand (C>G on the coding strand, the complement: LAMA4 is on the minus strand). VCF-style: chr6-112133362-G-C. GRCh37 (hg19) VCF-style: chr6-112454564-G-C.
Other names: c.3662C>G, p.Pro1221Arg (NM_001105207.3, NM_002290.5); short protein forms P1221R, P1228R.
Identifiers: ClinVar variation 4096215 (VCV004096215.1).